The following is an entry in ClinVar:

ClinVar aggregate classification (germline): Uncertain significance (1 of 4 stars; one submission).

Conditions:
Inborn genetic diseases. Identifiers: MedGen C0950123, MeSH D030342.

Submission:

Ambry Genetics
Classification: Uncertain significance for Inborn genetic diseases. Last evaluated: 2026-08-08. Review status: criteria provided, single submitter. Criteria: Ambry Variant Classification Scheme 2023. Collection method: clinical testing. Allele origin: germline.
Comment: The p.R202G variant (also known as c.604C>G), located in coding exon 6 of the BUB1B gene, results from a C to G substitution at nucleotide position 604. The arginine at codon 202 is replaced by glycine, an amino acid with dissimilar properties. This amino acid position is conserved. In addition, the in silico prediction for this alteration is inconclusive. Based on the available evidence, the clinical significance of this variant remains unclear.

NM_001211.6(BUB1B):c.604C>G (p.Arg202Gly)

Gene: BUB1B (BUB1 mitotic checkpoint serine/threonine kinase B; plus strand). Cytogenetic location: 15q15.1.
Variant type: single nucleotide variant.
Coding change: c.604C>G on transcript NM_001211.6 (MANE Select); coding-DNA position 604, C replaced by G.
Protein change: p.Arg202Gly; replaces arginine 202 with glycine.
Molecular consequence: missense variant.
Genome position (GRCh38, 1-based): chr15:40,183,736, C>G. VCF-style: chr15-40183736-C-G. GRCh37 (hg19) VCF-style: chr15-40475937-C-G.
Other names: short protein forms R202G.
Identifiers: ClinVar variation 5033530 (VCV005033530.1).